The following is an entry in ClinVar:

ClinVar aggregate classification (germline): Uncertain significance. Review status: criteria provided, multiple submitters, no conflicts (2 of 4 stars). 2 submissions from 2 submitters: Uncertain significance (2). Last evaluated 2025-07-13.

Conditions:
Cardiovascular phenotype. Identifiers: MedGen CN230736.
Familial thoracic aortic aneurysm and aortic dissection (TAAD). Also called: Thoracic aortic aneurysms and dissections. Identifiers: Orphanet 91387, MedGen C4707243, MONDO:0019625.

Submissions (2):

Labcorp Genetics (formerly Invitae), Labcorp
Classification: Uncertain significance for Familial thoracic aortic aneurysm and aortic dissection. Last evaluated: 2025-07-13. Review status: criteria provided, single submitter. Criteria: Invitae Variant Classification Sherloc (09022015). Collection method: clinical testing. Allele origin: germline.
Comment: This sequence change falls in intron 5 of the MAT2A gene. It does not directly change the encoded amino acid sequence of the MAT2A protein. It affects a nucleotide within the consensus splice site. This variant is not present in population databases (gnomAD no frequency). This variant has not been reported in the literature in individuals affected with MAT2A-related conditions. ClinVar contains an entry for this variant (Variation ID: 3543602). Variants that disrupt the consensus splice site are a relatively common cause of aberrant splicing (PMID: 17576681, 9536098). Algorithms developed to predict the effect of sequence changes on RNA splicing suggest that this variant is not likely to affect RNA splicing. In summary, the available evidence is currently insufficient to determine the role of this variant in disease. Therefore, it has been classified as a Variant of Uncertain Significance.

Ambry Genetics
Classification: Uncertain significance for Cardiovascular phenotype. Last evaluated: 2024-10-08. Review status: criteria provided, single submitter. Criteria: Ambry Variant Classification Scheme 2023. Collection method: clinical testing. Allele origin: germline.
Comment: The c.549+3A>G intronic variant results from an A to G substitution 3 nucleotides after coding exon 5 in the MAT2A gene. This nucleotide position is highly conserved in available vertebrate species. In silico splice site analysis predicts that this alteration will not have any significant effect on splicing. The evidence for this gene-disease relationship is limited; therefore, the clinical significance of this alteration is unclear.

Literature cited by the submitters: PubMed 17576681 (cited by Labcorp Genetics (formerly Invitae), Labcorp); PubMed 9536098 (cited by Labcorp Genetics (formerly Invitae), Labcorp).

NM_005911.6(MAT2A):c.549+3A>G

Genes: GGCX (gamma-glutamyl carboxylase; minus strand), MAT2A (methionine adenosyltransferase 2A; plus strand). Cytogenetic location: 2p11.2.
Variant type: single nucleotide variant.
Coding change: c.549+3A>G on transcript NM_005911.6 (MANE Select); 3 bases into the intron after coding-DNA position 549, A replaced by G.
Molecular consequence: intron variant.
Genome position (GRCh38, 1-based): chr2:85,541,975, A>G. VCF-style: chr2-85541975-A-G. GRCh37 (hg19) VCF-style: chr2-85769098-A-G.
Identifiers: ClinVar variation 3543602 (VCV003543602.2).